The following is an entry in ClinVar:

ClinVar aggregate classification (germline): Uncertain significance (1 of 4 stars; one submission).

Allele frequency attached by ClinVar (database versions not stated): gnomAD exomes below 0.00001.
gnomAD v4.1: 4 of 1,614,016 alleles (0.00025%); highest among the groups gnomAD compares: African/African-American, 0.0013%; no homozygotes.

Submission:

Labcorp Genetics (formerly Invitae), Labcorp
Classification: Uncertain significance. Last evaluated: 2024-01-14. Review status: criteria provided, single submitter. Criteria: Invitae Variant Classification Sherloc (09022015). Collection method: clinical testing. Allele origin: germline.
Comment: This sequence change replaces alanine, which is neutral and non-polar, with threonine, which is neutral and polar, at codon 1380 of the MYH3 protein (p.Ala1380Thr). This variant is not present in population databases (gnomAD no frequency). This variant has not been reported in the literature in individuals affected with MYH3-related conditions. Advanced modeling of protein sequence and biophysical properties (such as structural, functional, and spatial information, amino acid conservation, physicochemical variation, residue mobility, and thermodynamic stability) performed at Invitae indicates that this missense variant is not expected to disrupt MYH3 protein function with a negative predictive value of 95%. In summary, the available evidence is currently insufficient to determine the role of this variant in disease. Therefore, it has been classified as a Variant of Uncertain Significance.

NM_002470.4(MYH3):c.4138G>A (p.Ala1380Thr)

Gene: MYH3 (myosin heavy chain 3; minus strand). Cytogenetic location: 17p13.1.
Variant type: single nucleotide variant.
Coding change: c.4138G>A on transcript NM_002470.4 (MANE Select); coding-DNA position 4138, G replaced by A.
Protein change: p.Ala1380Thr; replaces alanine 1380 with threonine.
Molecular consequence: missense variant.
Genome position (GRCh38, 1-based): chr17:10,635,401, C>T on the plus strand (G>A on the coding strand, the complement: MYH3 is on the minus strand). VCF-style: chr17-10635401-C-T. GRCh37 (hg19) VCF-style: chr17-10538718-C-T.
Other names: short protein forms A1380T.
Identifiers: ClinVar variation 2709384 (VCV002709384.3), dbSNP rs2508582836, ClinGen allele CA398144605.
Genomic context (GRCh38, chr17:10,635,401, plus strand): 5'-TTCTAAAAGCAAACAGAGCTGCGCACTTGGCCTCCTCCAGCTCTTCTGTGCGCTGGATGG[C>T]GTCCGTCTCGTATTTGGTTCTCCACTGGGCAACCTCACTATTGGCCTTGGACAGCGCCCT-3'
Protein context (NP_002461.2, residues 1370-1390): AQWRTKYETD[Ala1380Thr]IQRTEELEEA